The following is an entry in ClinVar:

ClinVar aggregate classification (germline): Uncertain significance (0 of 4 stars; one submission).

Conditions:
Isolated dental anomalies.

Submission:

Center of Excellence in Medical Genetics Research, Chiang Mai University
Classification: Uncertain significance for Isolated dental anomalies. Last evaluated: 2026-08-18. Review status: no assertion criteria provided. Collection method: research. Allele origin: germline. Affected: yes. Observed: 1 variant allele.
Comment: NM_013275.6:c.4166_4186del is an in-frame deletion in ANKRD11. The in silico mutation prediction result was MutationTaster (Disease Causing - long InDel; 0.99999983710406 (PM4). This variant is novel, absent from the gnomAD population database, and absent in the T-Rex database (Thai exomes: 0/2184)(PM2). In summary, based on the ACMG/AMP criteria applied (PM2, PM4), this variant meets the criteria to be classified as a variant of uncertain significance (VUS) for isolated dental anomalies.

NM_013275.6(ANKRD11):c.4166_4186del (p.Ser1389_Asp1395del)

Gene: ANKRD11 (ankyrin repeat domain 11; minus strand). Cytogenetic location: 16q24.3.
Variant type: Deletion.
Coding change: c.4166_4186del on transcript NM_013275.6 (MANE Select); coding-DNA positions 4166 to 4186, 21 bases deleted (CCGGCCAGTACGAAAAGGACT).
Protein change: p.Ser1389_Asp1395del.
Molecular consequence: inframe deletion.
Genome position (GRCh38, 1-based): chr16:89,282,356-89,282,376, AGTCCTTTTCGTACTGGCCGG deleted on the plus strand (CCGGCCAGTACGAAAAGGACT on the coding strand, the reverse complement: ANKRD11 is on the minus strand); deleting any 21 consecutive bases within chr16:89,282,356-89,282,383 gives the same sequence; the c. name uses the placement nearest the transcript's 3' end. VCF-style (leftmost placement, unchanged base first): chr16-89282355-AAGTCCTTTTCGTACTGGCCGG-A. GRCh37 (hg19) VCF-style: chr16-89348763-AAGTCCTTTTCGTACTGGCCGG-A.
Other names: c.4166_4186del, p.Ser1389_Asp1395del (NM_001256182.2, NM_001256183.2).
Identifiers: ClinVar variation 4886915 (VCV004886915.1).